The following is an entry in ClinVar:

ClinVar aggregate classification (germline): Uncertain significance (1 of 4 stars; one submission).

Conditions:
Welander distal myopathy (WDM). Also called: Gower's muscular dystrophy; MUSCULAR DYSTROPHY, DISTAL, LATE-ONSET, AUTOSOMAL DOMINANT; Welander distal myopathy, Swedish type; Distal myopathy, Swedish type. Identifiers: Orphanet 603, MedGen C0221054, MONDO:0011466, OMIM 604454.

gnomAD v4.1: 46 of 1,613,866 alleles (0.0029%); highest among the groups gnomAD compares: Non-Finnish European, 0.0038%; no homozygotes.

Submission:

Labcorp Genetics (formerly Invitae), Labcorp
Classification: Uncertain significance for Welander distal myopathy. Last evaluated: 2026-01-05. Review status: criteria provided, single submitter. Criteria: Invitae Variant Classification Sherloc (09022015). Collection method: clinical testing. Allele origin: germline.
Comment: This sequence change replaces glycine, which is neutral and non-polar, with arginine, which is basic and polar, at codon 355 of the TIA1 protein (p.Gly355Arg). This variant is present in population databases (rs372889101, gnomAD 0.004%). This missense change has been observed in individual(s) with amyotrophic lateral sclerosis (PMID: 28817800). An algorithm developed to predict the effect of missense changes on protein structure and function (PolyPhen-2) suggests that this variant is likely to be disruptive. In summary, the available evidence is currently insufficient to determine the role of this variant in disease. Therefore, it has been classified as a Variant of Uncertain Significance.

Literature cited by the submitters: PubMed 28817800.

NM_022173.4(TIA1):c.1063G>A (p.Gly355Arg)

Gene: TIA1 (TIA1 cytotoxic granule associated RNA binding protein; minus strand). Cytogenetic location: 2p13.3.
Variant type: single nucleotide variant.
Coding change: c.1063G>A on transcript NM_022173.4 (MANE Select); coding-DNA position 1063, G replaced by A.
Protein change: p.Gly355Arg; replaces glycine 355 with arginine.
Molecular consequence: missense variant. On other transcripts: non-coding transcript variant (17).
Genome position (GRCh38, 1-based): chr2:70,212,817, C>T on the plus strand (G>A on the coding strand, the complement: TIA1 is on the minus strand). VCF-style: chr2-70212817-C-T. GRCh37 (hg19) VCF-style: chr2-70439949-C-T.
Other names: c.1036G>A, p.Gly346Arg (NM_001351509.2); c.1027G>A, p.Gly343Arg (NM_001351510.2); c.952G>A, p.Gly318Arg (NM_001351511.1); c.925G>A, p.Gly309Arg (NM_001351512.1); c.919G>A, p.Gly307Arg (NM_001351513.1); c.835G>A, p.Gly279Arg (NM_001351514.2); c.760G>A, p.Gly254Arg (NM_001351515.2); c.640G>A, p.Gly214Arg (NM_001351517.2); and 3 more; short protein forms G279R, G344R, G355R, G307R, G343R, G346R, G214R, G254R.
Identifiers: ClinVar variation 4780664 (VCV004780664.1).